The following is an entry in ClinVar:

ClinVar aggregate classification (germline): Pathogenic. Review status: criteria provided, multiple submitters, no conflicts (2 of 4 stars). 2 submissions from 2 submitters: Pathogenic (2). Last evaluated 2024-11-25.

Submissions (2):

Labcorp Genetics (formerly Invitae), Labcorp
Classification: Pathogenic. Last evaluated: 2024-11-25. Review status: criteria provided, single submitter. Criteria: Invitae Variant Classification Sherloc (09022015). Collection method: clinical testing. Allele origin: germline.
Comment: This sequence change replaces glycine, which is neutral and non-polar, with aspartic acid, which is acidic and polar, at codon 306 of the COL2A1 protein (p.Gly306Asp). This variant is not present in population databases (gnomAD no frequency). This missense change has been observed in individuals with clinical features of autosomal dominant COL2A1-related conditions (internal data). ClinVar contains an entry for this variant (Variation ID: 1353887). Invitae Evidence Modeling of protein sequence and biophysical properties (such as structural, functional, and spatial information, amino acid conservation, physicochemical variation, residue mobility, and thermodynamic stability) indicates that this missense variant is expected to disrupt COL2A1 protein function with a positive predictive value of 95%. This variant disrupts the triple helix domain of COL2A1. Glycine residues within the Gly-Xaa-Yaa repeats of the triple helix domain are required for the structure and stability of fibrillar collagens (PMID: 7695699, 8218237, 19344236). In COL2A1, variants affecting these glycine residues are significantly enriched in individuals with disease (PMID: 9016532, 17078022) compared to the general population (ExAC). For these reasons, this variant has been classified as Pathogenic.

GeneDx
Classification: Pathogenic. Last evaluated: 2023-12-13. Review status: criteria provided, single submitter. Criteria: GeneDx Variant Classification Process June 2021. Collection method: clinical testing. Allele origin: germline. Affected: yes.
Comment: Occurs in the triple helical domain and replaces a glycine in a canonical Gly-X-Y repeat; missense substitution of a canonical glycine residue is expected to disrupt normal protein folding and function, and this is an established mechanism of disease (PMID: 34007986); Not observed at significant frequency in large population cohorts (gnomAD); In silico analysis supports that this missense variant has a deleterious effect on protein structure/function; Has not been previously published as pathogenic or benign to our knowledge; This variant is associated with the following publications: (PMID: 34007986)

Literature cited by the submitters: PubMed 7695699 (cited by Labcorp Genetics (formerly Invitae), Labcorp); PubMed 8218237 (cited by Labcorp Genetics (formerly Invitae), Labcorp); PubMed 19344236 (cited by Labcorp Genetics (formerly Invitae), Labcorp); PubMed 9016532 (cited by Labcorp Genetics (formerly Invitae), Labcorp); PubMed 17078022 (cited by Labcorp Genetics (formerly Invitae), Labcorp).

NM_001844.5(COL2A1):c.917G>A (p.Gly306Asp)

Gene: COL2A1 (collagen type II alpha 1 chain; minus strand). Cytogenetic location: 12q13.11.
Variant type: single nucleotide variant.
Coding change: c.917G>A on transcript NM_001844.5 (MANE Select); coding-DNA position 917, G replaced by A.
Protein change: p.Gly306Asp; replaces glycine 306 with aspartic acid.
Molecular consequence: missense variant.
Genome position (GRCh38, 1-based): chr12:47,993,816, C>T on the plus strand (G>A on the coding strand, the complement: COL2A1 is on the minus strand). VCF-style: chr12-47993816-C-T. GRCh37 (hg19) VCF-style: chr12-48387599-C-T.
Other names: c.710G>A, p.Gly237Asp (NM_033150.3); c.917G>A (NM_001844.4); short protein forms G237D, G306D.
Identifiers: ClinVar variation 1353887 (VCV001353887.7), dbSNP rs2136609413, ClinGen allele CA384521870.